The following is an entry in ClinVar:

NM_000238.4(KCNH2):c.1274C>G (p.Thr425Arg)

Gene: KCNH2 (potassium voltage-gated channel subfamily H member 2; minus strand). Cytogenetic location: 7q36.1.
Variant type: single nucleotide variant.
Coding change: c.1274C>G on transcript NM_000238.4 (MANE Select); coding-DNA position 1274, C replaced by G.
Protein change: p.Thr425Arg; replaces threonine 425 with arginine.
Molecular consequence: missense variant. On other transcripts: non-coding transcript variant (2).
Genome position (GRCh38, 1-based): chr7:150,952,708, G>C on the plus strand (C>G on the coding strand, the complement: KCNH2 is on the minus strand). VCF-style: chr7-150952708-G-C. GRCh37 (hg19) VCF-style: chr7-150649796-G-C.
Other names: c.1097C>G, p.Thr366Arg (NM_001406755.1); c.986C>G, p.Thr329Arg (NM_001406756.1, NM_001406753.1); c.974C>G, p.Thr325Arg (NM_001406757.1); c.1274C>G, p.Thr425Arg (NM_172056.3); c.254C>G, p.Thr85Arg (NM_172057.3, NM_001204798.2); short protein forms T325R, T329R, T366R, T425R, T85R.
Identifiers: ClinVar variation 2861141 (VCV002861141.3), dbSNP rs2486049310, ClinGen allele CA369860078.

ClinVar aggregate classification (germline): Uncertain significance (1 of 4 stars; one submission).

Conditions:
Long QT syndrome (LQTS). Identifiers: MedGen C0023976, MeSH D008133, MONDO:0002442. Disease mechanism: loss of function. Inheritance: Various modes of inheritance.

Submission:

Labcorp Genetics (formerly Invitae), Labcorp
Classification: Uncertain significance for Long QT syndrome. Last evaluated: 2023-12-08. Review status: criteria provided, single submitter. Criteria: Invitae Variant Classification Sherloc (09022015). Collection method: clinical testing. Allele origin: germline.
Comment: This sequence change replaces threonine, which is neutral and polar, with arginine, which is basic and polar, at codon 425 of the KCNH2 protein (p.Thr425Arg). This variant is not present in population databases (gnomAD no frequency). This missense change has been observed in individual(s) with long QT syndrome (Invitae). An algorithm developed to predict the effect of missense changes on protein structure and function (PolyPhen-2) suggests that this variant is likely to be disruptive. In summary, the available evidence is currently insufficient to determine the role of this variant in disease. Therefore, it has been classified as a Variant of Uncertain Significance.